The following is an entry in ClinVar:

ClinVar aggregate classification (germline): Uncertain significance. Review status: criteria provided, multiple submitters, no conflicts (2 of 4 stars). 2 submissions from 2 submitters: Uncertain significance (2). Last evaluated 2023-08-24.

Conditions:
ALMS1-related disorder. Also called: ALMS1-related condition.
Alstrom syndrome (ALMS). Identifiers: Orphanet 64, MedGen C0268425, MONDO:0008763, OMIM 203800.

Submissions (2):

PreventionGenetics, part of Exact Sciences
Classification: Uncertain significance for ALMS1-related condition. Last evaluated: 2023-08-24. Review status: criteria provided, single submitter. Criteria: ACMG Guidelines, 2015. Collection method: clinical testing. Allele origin: germline.
Comment: The ALMS1 c.9863C>T variant is predicted to result in the amino acid substitution p.Pro3288Leu. To our knowledge, this variant has not been reported in the literature. This variant is reported in 0.0085% of alleles in individuals of Latino descent in gnomAD. At this time, the clinical significance of this variant is uncertain due to the absence of conclusive functional and genetic evidence.

Labcorp Genetics (formerly Invitae), Labcorp
Classification: Uncertain significance for Alstrom syndrome. Last evaluated: 2022-11-29. Review status: criteria provided, single submitter. Criteria: Invitae Variant Classification Sherloc (09022015). Collection method: clinical testing. Allele origin: germline.
Comment: In summary, the available evidence is currently insufficient to determine the role of this variant in disease. Therefore, it has been classified as a Variant of Uncertain Significance. Experimental studies and prediction algorithms are not available or were not evaluated, and the functional significance of this variant is currently unknown. This variant has not been reported in the literature in individuals affected with ALMS1-related conditions. This variant is not present in population databases (gnomAD no frequency). This sequence change replaces proline, which is neutral and non-polar, with leucine, which is neutral and non-polar, at codon 3288 of the ALMS1 protein (p.Pro3288Leu).

NM_001378454.1(ALMS1):c.9860C>T (p.Pro3287Leu)

Gene: ALMS1 (ALMS1 centrosome and basal body associated protein; plus strand). Cytogenetic location: 2p13.1.
Variant type: single nucleotide variant.
Coding change: c.9860C>T on transcript NM_001378454.1 (MANE Select); coding-DNA position 9860, C replaced by T.
Protein change: p.Pro3287Leu; replaces proline 3287 with leucine.
Molecular consequence: missense variant.
Genome position (GRCh38, 1-based): chr2:73,534,902, C>T. VCF-style: chr2-73534902-C-T. GRCh37 (hg19) VCF-style: chr2-73762029-C-T.
Other names: c.9863C>T, p.Pro3288Leu (NM_015120.4); short protein forms P3287L, P3288L.
Identifiers: ClinVar variation 2108550 (VCV002108550.5), dbSNP rs2466340268, ClinGen allele CA347263719.
Genomic context (GRCh38, chr2:73,534,902, plus strand): 5'-CATATAAGCCTTCTGGTAGTACCAAGATGTATTATGTTCCACAATTAAGACAAATTCCTC[C>T]ATCTCCGGATTCCAAATCAGATACCACCGTTGAAAGCTCCCATTCAGGTATTATGCAGAA-3'
Protein context (NP_001365383.1, residues 3277-3297): YYVPQLRQIP[Pro3287Leu]SPDSKSDTTV